The following is an entry in ClinVar:

ClinVar aggregate classification (germline): Conflicting classifications of pathogenicity. Review status: criteria provided, conflicting classifications (1 of 4 stars). 2 submissions from 2 submitters: Likely pathogenic (1); Uncertain significance (1). Last evaluated 2025-08-18.

Conditions:
TP63-Related Spectrum Disorders.
Inborn genetic diseases. Identifiers: MedGen C0950123, MeSH D030342.

Submissions (2):

Ambry Genetics
Classification: Uncertain significance for Inborn genetic diseases. Last evaluated: 2025-08-18. Review status: criteria provided, single submitter. Criteria: Ambry Variant Classification Scheme 2023. Collection method: clinical testing. Allele origin: germline.
Comment: The c.1674T>G (p.C558W) alteration is located in exon 13 (coding exon 13) of the TP63 gene. This alteration results from a T to G substitution at nucleotide position 1674, causing the cysteine (C) at amino acid position 558 to be replaced by a tryptophan (W). This variant was not reported in population-based cohorts in the Genome Aggregation Database (gnomAD). This amino acid position is highly conserved in available vertebrate species. This alteration is predicted to be deleterious by in silico analysis. Based on insufficient or conflicting evidence, the clinical significance of this alteration remains unclear.

Labcorp Genetics (formerly Invitae), Labcorp
Classification: Likely pathogenic. Last evaluated: 2023-05-22. Review status: criteria provided, single submitter. Criteria: Invitae Variant Classification Sherloc (09022015). Collection method: clinical testing. Allele origin: germline.
Comment: In summary, the currently available evidence indicates that the variant is pathogenic, but additional data are needed to prove that conclusively. Therefore, this variant has been classified as Likely Pathogenic. Advanced modeling of protein sequence and biophysical properties (such as structural, functional, and spatial information, amino acid conservation, physicochemical variation, residue mobility, and thermodynamic stability) performed at Invitae indicates that this missense variant is expected to disrupt TP63 protein function. This missense change has been observed in individual(s) with TP63-related disorders (Invitae). It has also been observed to segregate with disease in related individuals. This variant is not present in population databases (gnomAD no frequency). This sequence change replaces cysteine, which is neutral and slightly polar, with tryptophan, which is neutral and slightly polar, at codon 558 of the TP63 protein (p.Cys558Trp).

NM_003722.5(TP63):c.1674T>G (p.Cys558Trp)

Gene: TP63 (tumor protein p63; plus strand). Cytogenetic location: 3q28.
Variant type: single nucleotide variant.
Coding change: c.1674T>G on transcript NM_003722.5 (MANE Select); coding-DNA position 1674, T replaced by G.
Protein change: p.Cys558Trp; replaces cysteine 558 with tryptophan.
Molecular consequence: missense variant. On other transcripts: intron variant (6).
Genome position (GRCh38, 1-based): chr3:189,890,810, T>G. VCF-style: chr3-189890810-T-G. GRCh37 (hg19) VCF-style: chr3-189608599-T-G.
Other names: c.1668T>G, p.Cys556Trp (NM_001329964.2); c.1652+1326T>G (NM_001114978.2); c.1508-3396T>G (NM_001329144.2); c.1370+1326T>G (NM_001114981.2); c.1226-3396T>G (NM_001329145.2); c.1214-3396T>G (NM_001329149.2); c.959-3396T>G (NM_001329150.2); c.1674T>G (NM_003722.4); and 3 more; short protein forms C554W, C379W, C464W, C556W, C558W.
Identifiers: ClinVar variation 2853843 (VCV002853843.3), dbSNP rs2474713494, ClinGen allele CA355758943.
Genomic context (GRCh38, chr3:189,890,810, plus strand): 5'-TTTCTGTTTCCTCCTTCCTCTTCCCTCCTCCCTCTGCAGTTTCTTAGCGAGGTTGGGCTG[T>G]TCATCATGTCTGGACTATTTCACGACCCAGGGGCTGACCACCATCTATCAGATTGAGCAT-3'
Protein context (NP_003713.3, residues 548-568): SIVSFLARLG[Cys558Trp]SSCLDYFTTQ